The following is an entry in ClinVar:

ClinVar aggregate classification (germline): Benign (0 of 4 stars; one submission).

Conditions:
COL15A1-related disorder. Also called: COL15A1-related condition.

Allele frequency attached by ClinVar (database versions not stated): gnomAD exomes 0.00044; ExAC 0.00154; gnomAD 0.00470; ESP Exome Variant Server 0.00492; TOPMed 0.00510; 1000 Genomes Project 0.00779; 1000 Genomes Project 30x 0.00843.
gnomAD v4.1: 1,371 of 1,614,096 alleles (0.085%); highest among the groups gnomAD compares: African/African-American, 1.6%; 13 homozygotes.

Submission:

PreventionGenetics, part of Exact Sciences
Classification: Benign for COL15A1-related condition. Last evaluated: 2019-06-07. Review status: no assertion criteria provided. Collection method: clinical testing. Allele origin: germline.
Comment: This variant is classified as benign based on ACMG/AMP sequence variant interpretation guidelines (Richards et al. 2015 PMID: 25741868, with internal and published modifications).

NM_001855.5(COL15A1):c.571T>C (p.Ser191Pro)

Gene: COL15A1 (collagen type XV alpha 1 chain; plus strand). Cytogenetic location: 9q22.33.
Variant type: single nucleotide variant.
Coding change: c.571T>C on transcript NM_001855.5 (MANE Select); coding-DNA position 571, T replaced by C.
Protein change: p.Ser191Pro; replaces serine 191 with proline.
Molecular consequence: missense variant.
Genome position (GRCh38, 1-based): chr9:98,986,035, T>C. VCF-style: chr9-98986035-T-C. GRCh37 (hg19) VCF-style: chr9-101748317-T-C.
Other names: short protein forms S191P.
Identifiers: ClinVar variation 3043699 (VCV003043699.2), dbSNP rs113791685, ClinGen allele CA5154575.
Genomic context (GRCh38, chr9:98,986,035, plus strand): 5'-GAGGAAGTGACCCTCCTCGTGAACTGTGAGGAGCACAGCCGCATCCCCTTCCAGCGGTCC[T>C]CCCAGGCTTTGGCTTTTGAGTCCAGCGCTGGAATCTTCATGGGCAATGCAGGAGCTACAG-3'
Protein context (NP_001846.3, residues 181-201): EHSRIPFQRS[Ser191Pro]QALAFESSAG